The following is an entry in ClinVar:

ClinVar aggregate classification (germline): Benign. Review status: criteria provided, multiple submitters, no conflicts (2 of 4 stars). 3 submissions from 3 submitters: Benign (3). Last evaluated 2026-07-01.

Allele frequency attached by ClinVar (database versions not stated): 1000 Genomes Project 30x 0.00422; 1000 Genomes Project 0.00459; ExAC 0.00527; gnomAD 0.00556 and 0.00565; TOPMed 0.00560; gnomAD exomes 0.00569; ESP Exome Variant Server 0.00669.
gnomAD v4.1: 14,592 of 1,613,972 alleles (0.9%); highest among the groups gnomAD compares: Non-Finnish European, 1.1%; 95 homozygotes.

Submissions (3):

CeGaT Center for Human Genetics Tuebingen
Classification: Benign. Last evaluated: 2026-07-01. Review status: criteria provided, single submitter. Criteria: CeGaT Center For Human Genetics Tuebingen Variant Classification Criteria Version 2. Collection method: clinical testing. Allele origin: germline. Affected: yes. Observed: 6 variant alleles.
Comment: ITGA8: BP4, BP7, BS1, BS2

Labcorp Genetics (formerly Invitae), Labcorp
Classification: Benign. Last evaluated: 2025-12-23. Review status: criteria provided, single submitter. Criteria: Invitae Variant Classification Sherloc (09022015). Collection method: clinical testing. Allele origin: germline.

Breakthrough Genomics
Classification: Benign. Review status: criteria provided, single submitter. Criteria: ACMG Guidelines, 2015. Collection method: not provided. Allele origin: germline. Inheritance: Autosomal recessive inheritance. Affected: yes.

NM_003638.3(ITGA8):c.483G>A (p.Pro161=)

Gene: ITGA8 (integrin subunit alpha 8; minus strand). Cytogenetic location: 10p13.
Variant type: single nucleotide variant.
Coding change: c.483G>A on transcript NM_003638.3 (MANE Select); coding-DNA position 483, G replaced by A.
Protein change: p.Pro161=; no amino-acid change (proline 161 retained).
Molecular consequence: synonymous variant.
Genome position (GRCh38, 1-based): chr10:15,684,089, C>T on the plus strand (G>A on the coding strand, the complement: ITGA8 is on the minus strand). VCF-style: chr10-15684089-C-T. GRCh37 (hg19) VCF-style: chr10-15726088-C-T.
Other names: c.483G>A, p.Pro161= (NM_001291494.2).
Identifiers: ClinVar variation 783031 (VCV000783031.34), dbSNP rs72781816, ClinGen allele CA5420671.